The following is an entry in ClinVar:

NM_004320.6(ATP2A1):c.2458C>A (p.Pro820Thr)

Gene: ATP2A1 (ATPase sarcoplasmic/endoplasmic reticulum Ca2+ transporting 1; plus strand). Cytogenetic location: 16p11.2.
Variant type: single nucleotide variant.
Coding change: c.2458C>A on transcript NM_004320.6 (MANE Select); coding-DNA position 2458, C replaced by A.
Protein change: p.Pro820Thr; replaces proline 820 with threonine.
Molecular consequence: missense variant.
Genome position (GRCh38, 1-based): chr16:28,902,320, C>A. VCF-style: chr16-28902320-C-A. GRCh37 (hg19) VCF-style: chr16-28913641-C-A.
Other names: c.2083C>A, p.Pro695Thr (NM_001286075.2); c.2458C>A, p.Pro820Thr (NM_173201.5); c.2458C>A (NM_173201.4); short protein forms P820T, P695T.
Identifiers: ClinVar variation 390036 (VCV000390036.22), dbSNP rs149282970, ClinGen allele CA7987266.

ClinVar aggregate classification (germline): Uncertain significance. Review status: criteria provided, multiple submitters, no conflicts (2 of 4 stars). 7 submissions from 7 submitters: Uncertain significance (6). 1 of the submissions does not count toward it. Last evaluated 2025-12-23.

Conditions:
ATP2A1-related disorder. Also called: ATP2A1-related condition.
Inborn genetic diseases. Identifiers: MedGen C0950123, MeSH D030342.
Brody myopathy. Also called: BRODY DISEASE. Identifiers: Orphanet 53347, MedGen C1832918, MONDO:0010977, OMIM 601003.

Allele frequency attached by ClinVar (database versions not stated): gnomAD exomes 0.00015; ExAC 0.00017; gnomAD 0.00041 and 0.00046; ESP Exome Variant Server 0.00054; TOPMed 0.00062.
gnomAD v4.1: 121 of 1,613,966 alleles (0.0075%); highest among the groups gnomAD compares: African/African-American, 0.13%; no homozygotes.

Submissions (7):

Labcorp Genetics (formerly Invitae), Labcorp
Classification: Uncertain significance for Brody myopathy. Last evaluated: 2025-12-23. Review status: criteria provided, single submitter. Criteria: Invitae Variant Classification Sherloc (09022015). Collection method: clinical testing. Allele origin: germline.
Comment: This sequence change replaces proline, which is neutral and non-polar, with threonine, which is neutral and polar, at codon 820 of the ATP2A1 protein (p.Pro820Thr). This variant is present in population databases (rs149282970, gnomAD 0.2%). This variant has not been reported in the literature in individuals affected with ATP2A1-related conditions. ClinVar contains an entry for this variant (Variation ID: 390036). An algorithm developed to predict the effect of missense changes on protein structure and function (PolyPhen-2) suggests that this variant is likely to be disruptive. In summary, the available evidence is currently insufficient to determine the role of this variant in disease. Therefore, it has been classified as a Variant of Uncertain Significance.

Revvity Omics, Revvity
Classification: Uncertain significance for Brody myopathy. Last evaluated: 2023-12-11. Review status: criteria provided, single submitter. Criteria: ACMG Guidelines, 2015. Collection method: clinical testing. Allele origin: germline.

Ambry Genetics
Classification: Uncertain significance for Inborn genetic diseases. Last evaluated: 2023-07-19. Review status: criteria provided, single submitter. Criteria: Ambry Variant Classification Scheme 2023. Collection method: clinical testing. Allele origin: germline.

GeneDx
Classification: Uncertain significance. Last evaluated: 2022-04-22. Review status: criteria provided, single submitter. Criteria: GeneDx Variant Classification Process June 2021. Collection method: clinical testing. Allele origin: germline. Affected: yes.
Comment: In silico analysis supports that this missense variant has a deleterious effect on protein structure/function; Has not been previously published as pathogenic or benign to our knowledge

Laboratorio de Genetica e Diagnostico Molecular, Hospital Israelita Albert Einstein
Classification: Uncertain significance. Last evaluated: 2021-09-01. Review status: criteria provided, single submitter. Criteria: ACMG Guidelines, 2015. Collection method: clinical testing. Allele origin: germline. Affected: yes.

Athena Diagnostics
Classification: Uncertain significance. Last evaluated: 2016-11-07. Review status: criteria provided, single submitter. Criteria: Athena Diagnostics Criteria. Collection method: clinical testing. Allele origin: germline.

PreventionGenetics, part of Exact Sciences
Classification: Likely benign for ATP2A1-related condition. Last evaluated: 2024-06-21. Review status: no assertion criteria provided. Collection method: clinical testing. Allele origin: germline. Not counted in ClinVar's aggregate classification.
Comment: This variant is classified as likely benign based on ACMG/AMP sequence variant interpretation guidelines (Richards et al. 2015 PMID: 25741868, with internal and published modifications).